The following is an entry in ClinVar:

ClinVar aggregate classification (germline): Uncertain significance (1 of 4 stars; one submission).

Submission:

Labcorp Genetics (formerly Invitae), Labcorp
Classification: Uncertain significance. Last evaluated: 2023-11-14. Review status: criteria provided, single submitter. Criteria: Invitae Variant Classification Sherloc (09022015). Collection method: clinical testing. Allele origin: germline.
Comment: This sequence change replaces phenylalanine, which is neutral and non-polar, with serine, which is neutral and polar, at codon 421 of the ATF6 protein (p.Phe421Ser). This variant is not present in population databases (gnomAD no frequency). This variant has not been reported in the literature in individuals affected with ATF6-related conditions. ClinVar contains an entry for this variant (Variation ID: 1464144). Advanced modeling of protein sequence and biophysical properties (such as structural, functional, and spatial information, amino acid conservation, physicochemical variation, residue mobility, and thermodynamic stability) performed at Invitae indicates that this missense variant is not expected to disrupt ATF6 protein function with a negative predictive value of 80%. In summary, the available evidence is currently insufficient to determine the role of this variant in disease. Therefore, it has been classified as a Variant of Uncertain Significance.

NM_007348.4(ATF6):c.1262T>C (p.Phe421Ser)

Gene: ATF6 (activating transcription factor 6; plus strand). Cytogenetic location: 1q23.3.
Variant type: single nucleotide variant.
Coding change: c.1262T>C on transcript NM_007348.4 (MANE Select); coding-DNA position 1262, T replaced by C.
Protein change: p.Phe421Ser; replaces phenylalanine 421 with serine.
Molecular consequence: missense variant.
Genome position (GRCh38, 1-based): chr1:161,846,523, T>C. VCF-style: chr1-161846523-T-C. GRCh37 (hg19) VCF-style: chr1-161816313-T-C.
Other names: short protein forms F421S.
Identifiers: ClinVar variation 1464144 (VCV001464144.6), dbSNP rs1049343696, ClinGen allele CA343378781.
Genomic context (GRCh38, chr1:161,846,523, plus strand): 5'-ATTCCAGGAGAATGAACCCTAGTGTGAGCCCTGCAAATCAAAGGAGGCACCTTCTAGGAT[T>C]TTCTGCTAAAGAGGCACAGGACACATCAGATGGTATTATCCAGAAAAACAGCTACAGGTA-3'
Protein context (NP_031374.2, residues 411-431): PANQRRHLLG[Phe421Ser]SAKEAQDTSD